The following is an entry in ClinVar:

ClinVar aggregate classification (germline): Uncertain significance (1 of 4 stars; one submission).

Conditions:
Symmetrical dyschromatosis of extremities (DSH). Also called: RETICULATE ACROPIGMENTATION OF DOHI; SYMMETRIC DYSCHROMATOSIS OF THE EXTREMITIES; DYSCHROMATOSIS SYMMETRICA HEREDITARIA 1; Dyschromatosis symmetrica hereditaria. Identifiers: Orphanet 41, MedGen C0406775, MONDO:0007483, OMIM 127400.
Aicardi-Goutieres syndrome 6 (AGS6). Identifiers: Orphanet 51, MedGen C3539013, MONDO:0014007, OMIM 615010.

Allele frequency attached by ClinVar (database versions not stated): TOPMed 0.00002.

Submission:

Labcorp Genetics (formerly Invitae), Labcorp
Classification: Uncertain significance for Aicardi-Goutieres syndrome 6; Symmetrical dyschromatosis of extremities. Last evaluated: 2025-09-23. Review status: criteria provided, single submitter. Criteria: Invitae Variant Classification Sherloc (09022015). Collection method: clinical testing. Allele origin: germline.
Comment: This sequence change falls in intron 12 of the ADAR gene. It does not directly change the encoded amino acid sequence of the ADAR protein. It affects a nucleotide within the consensus splice site. This variant is not present in population databases (gnomAD no frequency). This variant has not been reported in the literature in individuals affected with ADAR-related conditions. ClinVar contains an entry for this variant (Variation ID: 2941759). Variants that disrupt the consensus splice site are a relatively common cause of aberrant splicing (PMID: 17576681, 9536098). Algorithms developed to predict the effect of sequence changes on RNA splicing suggest that this variant is not likely to affect RNA splicing. In summary, the available evidence is currently insufficient to determine the role of this variant in disease. Therefore, it has been classified as a Variant of Uncertain Significance.

Literature cited by the submitters: PubMed 17576681; PubMed 9536098.

NM_001111.5(ADAR):c.3202+6G>A

Gene: ADAR (adenosine deaminase RNA specific; minus strand). Cytogenetic location: 1q21.3.
Variant type: single nucleotide variant.
Coding change: c.3202+6G>A on transcript NM_001111.5 (MANE Select); 6 bases into the intron after coding-DNA position 3202, G replaced by A.
Molecular consequence: intron variant.
Genome position (GRCh38, 1-based): chr1:154,586,175, C>T on the plus strand (G>A on the coding strand, the complement: ADAR is on the minus strand). VCF-style: chr1-154586175-C-T. GRCh37 (hg19) VCF-style: chr1-154558651-C-T.
Other names: c.2317+6G>A (NM_001193495.2, NM_001365046.1, NM_001025107.3 and 2 more transcripts); c.3229+6G>A (NM_001365045.1); c.2239+6G>A (NM_001365049.1); c.3067+6G>A (NM_015841.4); c.3124+6G>A (NM_015840.4).
Identifiers: ClinVar variation 2941759 (VCV002941759.3), dbSNP rs1159066670, ClinGen allele CA889610267.